The following is an entry in ClinVar:

ClinVar aggregate classification (germline): Uncertain significance (1 of 4 stars; one submission).

Conditions:
Primary ciliary dyskinesia. Also called: Ciliary dyskinesia. Identifiers: Orphanet 244, MedGen C0008780, MONDO:0016575, HP:0012265.

gnomAD v4.1: 1 of 1,240,312 alleles (0.000081%); highest among the groups gnomAD compares: Non-Finnish European, 0.0001%; no homozygotes.

Submission:

Ambry Genetics
Classification: Uncertain significance for Primary ciliary dyskinesia. Last evaluated: 2024-05-21. Review status: criteria provided, single submitter. Criteria: Ambry Variant Classification Scheme 2023. Collection method: clinical testing. Allele origin: germline.
Comment: The p.A3V variant (also known as c.8C>T), located in coding exon 1 of the DNAAF5 gene, results from a C to T substitution at nucleotide position 8. The alanine at codon 3 is replaced by valine, an amino acid with similar properties. This amino acid position is conserved. In addition, this alteration is predicted to be tolerated by in silico analysis. Based on the available evidence, the clinical significance of this variant remains unclear.

NM_017802.4(DNAAF5):c.8C>T (p.Ala3Val)

Genes: DNAAF5 (dynein axonemal assembly factor 5; plus strand), PRKAR1B (protein kinase cAMP-dependent type I regulatory subunit beta; minus strand). Cytogenetic location: 7p22.3.
Variant type: single nucleotide variant.
Coding change: c.8C>T on transcript NM_017802.4 (MANE Select); coding-DNA position 8, C replaced by T.
Protein change: p.Ala3Val; replaces alanine 3 with valine.
Molecular consequence: missense variant. On other transcripts: non-coding transcript variant (1), intron variant (3).
Genome position (GRCh38, 1-based): chr7:726,728, C>T. VCF-style: chr7-726728-C-T. GRCh37 (hg19) VCF-style: chr7-766365-C-T.
Other names: c.-23+927G>A (NM_001164759.1); c.-23+862G>A (NM_001164758.2); c.-23+482G>A (NM_001164760.2); short protein forms A3V.
Identifiers: ClinVar variation 3272531 (VCV003272531.1).